The following is an entry in ClinVar:

ClinVar aggregate classification (germline): Pathogenic (1 of 4 stars; one submission).

Conditions:
Norman-Roberts syndrome (LIS2). Also called: Lissencephaly 2 (Norman-Roberts type). Identifiers: Orphanet 89844, MedGen C0796089, MONDO:0009760, OMIM 257320.
Familial temporal lobe epilepsy 7. Identifiers: Orphanet 101046, MedGen C4225327, MONDO:0014639, OMIM 616436.

Submission:

Labcorp Genetics (formerly Invitae), Labcorp
Classification: Pathogenic for Familial temporal lobe epilepsy 7; Norman-Roberts syndrome. Last evaluated: 2025-03-11. Review status: criteria provided, single submitter. Criteria: Invitae Variant Classification Sherloc (09022015). Collection method: clinical testing. Allele origin: germline.
Comment: This sequence change creates a premature translational stop signal (p.Leu2068Tyrfs*52) in the RELN gene. It is expected to result in an absent or disrupted protein product. Loss-of-function variants in RELN are known to be pathogenic (PMID: 10973257, 26046367, 28454995). This variant is not present in population databases (gnomAD no frequency). This variant has not been reported in the literature in individuals affected with RELN-related conditions. For these reasons, this variant has been classified as Pathogenic.

Literature cited by the submitters: PubMed 10973257; PubMed 26046367; PubMed 28454995.

NM_005045.4(RELN):c.6203del (p.Leu2068fs)

Gene: RELN (reelin; minus strand). Cytogenetic location: 7q22.1.
Variant type: Deletion.
Coding change: c.6203del on transcript NM_005045.4 (MANE Select); coding-DNA position 6203, one base deleted (T; older notation c.6203delT).
Protein change: p.Leu2068fs; shifts the reading frame from leucine 2068.
Molecular consequence: frameshift variant.
Genome position (GRCh38, 1-based): chr7:103,551,166, A deleted on the plus strand (T on the coding strand, the reverse complement: RELN is on the minus strand); the first of 3 consecutive A bases (chr7:103,551,166-103,551,168); deleting any one gives the same sequence. VCF-style (leftmost placement, unchanged base first): chr7-103551165-TA-T. GRCh37 (hg19) VCF-style: chr7-103191612-TA-T.
Other names: c.6203del, p.Leu2068fs (NM_173054.3); short protein forms L2068fs.
Identifiers: ClinVar variation 4789196 (VCV004789196.1).